The following is an entry in ClinVar:

ClinVar aggregate classification (germline): Uncertain significance. Review status: criteria provided, single submitter (1 of 4 stars). 2 submissions from 2 submitters: Uncertain significance (1). 1 of the submissions does not count toward it. Last evaluated 2022-10-08.

Conditions:
Wiedemann-Steiner syndrome (WDSTS). Also called: Growth deficiency and mental retardation with facial dysmorphism. Identifiers: Orphanet 319182, MedGen C1854630, MONDO:0011518, OMIM 605130.

Allele frequency attached by ClinVar (database versions not stated): gnomAD exomes below 0.00001 and 0.00001; TOPMed below 0.00001; gnomAD 0.00001.
gnomAD v4.1: 7 of 1,613,024 alleles (0.00043%); highest among the groups gnomAD compares: Non-Finnish European, 0.00059%; no homozygotes.

Submissions (2):

Labcorp Genetics (formerly Invitae), Labcorp
Classification: Uncertain significance. Last evaluated: 2022-10-08. Review status: criteria provided, single submitter. Criteria: Invitae Variant Classification Sherloc (09022015). Collection method: clinical testing. Allele origin: germline.
Comment: This sequence change replaces threonine, which is neutral and polar, with alanine, which is neutral and non-polar, at codon 548 of the KMT2A protein (p.Thr548Ala). This variant is present in population databases (no rsID available, gnomAD 0.002%). This variant has not been reported in the literature in individuals affected with KMT2A-related conditions. ClinVar contains an entry for this variant (Variation ID: 375628). Advanced modeling of protein sequence and biophysical properties (such as structural, functional, and spatial information, amino acid conservation, physicochemical variation, residue mobility, and thermodynamic stability) performed at Invitae indicates that this missense variant is not expected to disrupt KMT2A protein function. In summary, the available evidence is currently insufficient to determine the role of this variant in disease. Therefore, it has been classified as a Variant of Uncertain Significance.

Centre de Biologie Pathologie Génétique, Centre Hospitalier Universitaire de Lille
Classification: Likely benign for Wiedemann-Steiner syndrome. Review status: no assertion criteria provided. Collection method: clinical testing. Allele origin: maternal. Inheritance: Autosomal dominant inheritance. Affected: no. Observed: 1 variant allele, 1 heterozygote. Not counted in ClinVar's aggregate classification.

NM_001197104.2(KMT2A):c.1642A>G (p.Thr548Ala)

Gene: KMT2A (lysine methyltransferase 2A; plus strand). Cytogenetic location: 11q23.3.
Variant type: single nucleotide variant.
Coding change: c.1642A>G on transcript NM_001197104.2 (MANE Select); coding-DNA position 1642, A replaced by G.
Protein change: p.Thr548Ala; replaces threonine 548 with alanine.
Molecular consequence: missense variant.
Genome position (GRCh38, 1-based): chr11:118,472,801, A>G. VCF-style: chr11-118472801-A-G. GRCh37 (hg19) VCF-style: chr11-118343516-A-G.
Other names: c.1642A>G, p.Thr548Ala (NM_005933.4); short protein forms T548A.
Identifiers: ClinVar variation 375628 (VCV000375628.7), dbSNP rs1057519412, ClinGen allele CA16044396.